The following is an entry in ClinVar:

ClinVar aggregate classification (germline): Uncertain significance (1 of 4 stars; one submission).

Conditions:
Myofibrillar myopathy 5. Also called: FILAMINOPATHY, AUTOSOMAL DOMINANT; Filaminopathy (type). Identifiers: Orphanet 171445, MedGen C1836050, MONDO:0012289, OMIM 609524.
Hypertrophic cardiomyopathy 26. Also called: Cardiomyopathy, familial hypertrophic, 26. Identifiers: Orphanet 75249, MedGen C4310749, MONDO:0014883, OMIM 617047.
Distal myopathy with posterior leg and anterior hand involvement. Also called: WILLIAMS DISTAL MYOPATHY. Identifiers: Orphanet 63273, MedGen C3279722, MONDO:0013550, OMIM 614065.

gnomAD v4.1: 10 of 1,614,048 alleles (0.00062%); highest among the groups gnomAD compares: Non-Finnish European, 0.00085%; no homozygotes.

Submission:

Labcorp Genetics (formerly Invitae), Labcorp
Classification: Uncertain significance for Distal myopathy with posterior leg and anterior hand involvement; Myofibrillar myopathy 5; Hypertrophic cardiomyopathy 26. Last evaluated: 2021-11-09. Review status: criteria provided, single submitter. Criteria: Invitae Variant Classification Sherloc (09022015). Collection method: clinical testing. Allele origin: germline.
Comment: In summary, the available evidence is currently insufficient to determine the role of this variant in disease. Therefore, it has been classified as a Variant of Uncertain Significance. Algorithms developed to predict the effect of missense changes on protein structure and function are either unavailable or do not agree on the potential impact of this missense change (SIFT: "Deleterious"; PolyPhen-2: "Probably Damaging"; Align-GVGD: "Class C0"). This variant has not been reported in the literature in individuals affected with FLNC-related conditions. This variant is not present in population databases (gnomAD no frequency). This sequence change replaces proline, which is neutral and non-polar, with leucine, which is neutral and non-polar, at codon 836 of the FLNC protein (p.Pro836Leu).

NM_001458.5(FLNC):c.2507C>T (p.Pro836Leu)

Gene: FLNC (filamin C; plus strand). Cytogenetic location: 7q32.1.
Variant type: single nucleotide variant.
Coding change: c.2507C>T on transcript NM_001458.5 (MANE Select); coding-DNA position 2507, C replaced by T.
Protein change: p.Pro836Leu; replaces proline 836 with leucine.
Molecular consequence: missense variant.
Genome position (GRCh38, 1-based): chr7:128,842,911, C>T. VCF-style: chr7-128842911-C-T. GRCh37 (hg19) VCF-style: chr7-128482965-C-T.
Other names: c.2507C>T, p.Pro836Leu (NM_001127487.2); short protein forms P836L.
Identifiers: ClinVar variation 1433983 (VCV001433983.6), dbSNP rs199652368, ClinGen allele CA369191852.
Genomic context (GRCh38, chr7:128,842,911, plus strand): 5'-ACATTGACTTCGACATCATCAAGAATGACAACGACACCTTCACCGTCAAGTACACGCCAC[C>T]AGGGGCGGGCCGCTACACCATCATGGTGCTGTTTGCCAACCAGGTACCTAAGCTCCTGGG-3'
Protein context (NP_001449.3, residues 826-846): NDTFTVKYTP[Pro836Leu]GAGRYTIMVL